The following is an entry in ClinVar:

NM_001286445.3(RIPOR2):c.1270T>A (p.Ser424Thr)

Gene: RIPOR2 (RHO family interacting cell polarization regulator 2; minus strand). Cytogenetic location: 6p22.3.
Variant type: single nucleotide variant.
Coding change: c.1270T>A on transcript NM_001286445.3 (MANE Select); coding-DNA position 1270, T replaced by A.
Protein change: p.Ser424Thr; replaces serine 424 with threonine.
Molecular consequence: missense variant.
Genome position (GRCh38, 1-based): chr6:24,843,449, A>T on the plus strand (T>A on the coding strand, the complement: RIPOR2 is on the minus strand). VCF-style: chr6-24843449-A-T. GRCh37 (hg19) VCF-style: chr6-24843677-A-T.
Other names: c.1333T>A (NM_014722.4); c.1285T>A, p.Ser429Thr (NM_001286446.3); c.1183T>A, p.Ser395Thr (NM_001286447.2, NM_001346031.2, NM_001346032.2 and 1 more transcripts); c.1333T>A, p.Ser445Thr (NM_014722.5); short protein forms S395T, S429T, S445T, S424T.
Identifiers: ClinVar variation 2608822 (VCV002608822.7), dbSNP rs372911808, ClinGen allele CA3659274.

ClinVar aggregate classification (germline): Uncertain significance. Review status: criteria provided, multiple submitters, no conflicts (2 of 4 stars). 3 submissions from 3 submitters: Uncertain significance (3). Last evaluated 2026-06-23.

Conditions:
RIPOR2-related disorder. Also called: RIPOR2-related condition.

Allele frequency attached by ClinVar (database versions not stated): gnomAD 0.00002; gnomAD exomes 0.00002; ExAC 0.00003; ESP Exome Variant Server 0.00008.
gnomAD v4.1: 38 of 1,611,316 alleles (0.0024%); highest among the groups gnomAD compares: Middle Eastern, 0.016%; no homozygotes.

Submissions (3):

PreventionGenetics, part of Exact Sciences
Classification: Uncertain significance for RIPOR2-related condition. Last evaluated: 2026-06-23. Review status: criteria provided, single submitter. Criteria: ACMG Guidelines, 2015. Collection method: clinical testing. Allele origin: germline.
Comment: The RIPOR2 c.1333T>A variant is predicted to result in the amino acid substitution p.Ser445Thr. To our knowledge, this variant has not been reported in the literature. This variant is reported in 0.0056% of alleles in individuals of East Asian descent in gnomAD. At this time, the clinical significance of this variant is uncertain due to the absence of conclusive functional and genetic evidence.

Labcorp Genetics (formerly Invitae), Labcorp
Classification: Uncertain significance. Last evaluated: 2025-10-02. Review status: criteria provided, single submitter. Criteria: Invitae Variant Classification Sherloc (09022015). Collection method: clinical testing. Allele origin: germline.
Comment: This sequence change replaces serine, which is neutral and polar, with threonine, which is neutral and polar, at codon 445 of the FAM65B protein (p.Ser445Thr). This variant is present in population databases (rs372911808, gnomAD 0.006%). This variant has not been reported in the literature in individuals affected with FAM65B-related conditions. ClinVar contains an entry for this variant (Variation ID: 2608822). An algorithm developed to predict the effect of missense changes on protein structure and function outputs the following: PolyPhen-2: "Benign". The threonine amino acid residue is found in multiple mammalian species, which suggests that this missense change does not adversely affect protein function. In summary, the available evidence is currently insufficient to determine the role of this variant in disease. Therefore, it has been classified as a Variant of Uncertain Significance.

Ambry Genetics
Classification: Uncertain significance. Last evaluated: 2025-08-10. Review status: criteria provided, single submitter. Criteria: Ambry Variant Classification Scheme 2023. Collection method: clinical testing. Allele origin: germline.